The following is an entry in ClinVar:

NM_012330.4(KAT6B):c.-278C>T

Gene: KAT6B (lysine acetyltransferase 6B; plus strand). Cytogenetic location: 10q22.2.
Variant type: single nucleotide variant.
Coding change: c.-278C>T on transcript NM_012330.4 (MANE Select); 278 bases upstream of the start codon, C replaced by T.
Molecular consequence: 5 prime UTR variant. On other transcripts: intron variant (3).
Genome position (GRCh38, 1-based): chr10:74,838,733, C>T. VCF-style: chr10-74838733-C-T. GRCh37 (hg19) VCF-style: chr10-76598491-C-T.
Other names: c.-278C>T (NM_001256468.2, NM_001256469.2, NM_001370132.1 and 5 more transcripts); c.-816C>T (NM_001370134.1, NM_001370135.1); c.-309C>T (NM_001370137.1, NM_001370139.1); c.-258-3867C>T (NM_001370141.1, NM_001370143.1, NM_001370142.1).
Identifiers: ClinVar variation 507335 (VCV000507335.1), dbSNP rs558172089, ClinGen allele CA209908280.
Genomic context (GRCh38, chr10:74,838,733, plus strand): 5'-CTTTTGGCAGATTTGCCTGAAGACCTGGATAATCTCCATTTTTGTCATGGACTGTTAAAA[C>T]GTTTGAAGTTCCAATTCTGGTACTTTCCCTTATTTTATTACATTTTTAAGGTATAAAATG-3'

ClinVar aggregate classification (germline): Likely benign (1 of 4 stars; one submission).

Allele frequency attached by ClinVar (database versions not stated): TOPMed 0.00002; 1000 Genomes Project below 0.00001.
gnomAD v4.1: 3 of 152,092 alleles (0.002%); highest among the groups gnomAD compares: Non-Finnish European, 0.0044%; no homozygotes.

Submission:

GeneDx
Classification: Likely benign. Last evaluated: 2017-11-09. Review status: criteria provided, single submitter. Criteria: GeneDx Variant Classification (06012015). Collection method: clinical testing. Allele origin: germline. Affected: yes.
Comment: This variant is considered likely benign or benign based on one or more of the following criteria: it is a conservative change, it occurs at a poorly conserved position in the protein, it is predicted to be benign by multiple in silico algorithms, and/or has population frequency not consistent with disease.